The following is an entry in ClinVar:

ClinVar aggregate classification (germline): Uncertain significance. Review status: criteria provided, multiple submitters, no conflicts (2 of 4 stars). 3 submissions from 3 submitters: Uncertain significance (3). Last evaluated 2025-12-03.

Conditions:
Autosomal recessive limb-girdle muscular dystrophy type 2J (LGMDR10). Also called: MUSCULAR DYSTROPHY, LIMB-GIRDLE, AUTOSOMAL RECESSIVE 10; Limb-girdle muscular dystrophy, type 2J. Identifiers: Orphanet 140922, MedGen C1837342, MONDO:0012127, OMIM 608807.
Dilated cardiomyopathy 1G (CMD1G). Identifiers: Orphanet 154, MedGen C1858763, MONDO:0011400, OMIM 604145.
TTN-related disorder. Also called: TTN-related condition; TTN-related disease; TTN-related disorders.

Allele frequency attached by ClinVar (database versions not stated): gnomAD 0.00003; TOPMed 0.00003; gnomAD exomes 0.00008; ExAC 0.00009.
gnomAD v4.1: 79 of 1,613,036 alleles (0.0049%); highest among the groups gnomAD compares: South Asian, 0.044%; 1 homozygote.

Submissions (3):

PreventionGenetics, part of Exact Sciences
Classification: Uncertain significance for TTN-related condition. Last evaluated: 2025-12-03. Review status: criteria provided, single submitter. Criteria: ACMG Guidelines, 2015. Collection method: clinical testing. Allele origin: germline.
Comment: The TTN c.41018C>T variant is predicted to result in the amino acid substitution p.Pro13673Leu. To our knowledge, this variant has not been reported in the literature. This variant is reported in 0.046% of alleles in individuals of South Asian descent in gnomAD. At this time, the clinical significance of this variant is uncertain due to the absence of conclusive functional and genetic evidence.

Labcorp Genetics (formerly Invitae), Labcorp
Classification: Uncertain significance for Dilated cardiomyopathy 1G; Autosomal recessive limb-girdle muscular dystrophy type 2J. Last evaluated: 2017-09-06. Review status: criteria provided, single submitter. Criteria: Invitae Variant Classification Sherloc (09022015). Collection method: clinical testing. Allele origin: germline.

Eurofins Ntd Llc (ga)
Classification: Uncertain significance. Last evaluated: 2015-08-18. Review status: criteria provided, single submitter. Criteria: EGL Classification Definitions 2015. Collection method: clinical testing. Allele origin: germline. Observed: 1 variant allele, 1 heterozygote.

NM_001267550.2(TTN):c.41018C>T (p.Pro13673Leu)

Gene: TTN (titin; minus strand). Cytogenetic location: 2q31.2.
Variant type: single nucleotide variant.
Coding change: c.41018C>T on transcript NM_001267550.2 (MANE Select); coding-DNA position 41018, C replaced by T.
Protein change: p.Pro13673Leu; replaces proline 13673 with leucine.
Molecular consequence: missense variant.
Genome position (GRCh38, 1-based): chr2:178,636,709, G>A on the plus strand (C>T on the coding strand, the complement: TTN is on the minus strand). VCF-style: chr2-178636709-G-A. GRCh37 (hg19) VCF-style: chr2-179501436-G-A.
Other names: c.36095C>T, p.Pro12032Leu (NM_001256850.1); c.13823C>T, p.Pro4608Leu (NM_003319.4); c.33314C>T, p.Pro11105Leu (NM_133378.4); c.14198C>T, p.Pro4733Leu (NM_133432.3); c.14399C>T, p.Pro4800Leu (NM_133437.4); short protein forms P11105L, P13673L, P4608L, P12032L, P4733L, P4800L.
Identifiers: ClinVar variation 282657 (VCV000282657.8), dbSNP rs765821223, ClinGen allele CA1996322.